The following is an entry in ClinVar:

NM_014112.5(TRPS1):c.1526C>T (p.Thr509Ile)

Gene: TRPS1 (transcriptional repressor GATA binding 1; minus strand). Cytogenetic location: 8q23.3.
Variant type: single nucleotide variant.
Coding change: c.1526C>T on transcript NM_014112.5 (MANE Select); coding-DNA position 1526, C replaced by T.
Protein change: p.Thr509Ile; replaces threonine 509 with isoleucine.
Molecular consequence: missense variant.
Genome position (GRCh38, 1-based): chr8:115,604,443, G>A on the plus strand (C>T on the coding strand, the complement: TRPS1 is on the minus strand). VCF-style: chr8-115604443-G-A. GRCh37 (hg19) VCF-style: chr8-116616670-G-A.
Other names: c.1499C>T, p.Thr500Ile (NM_001282902.3); c.1505C>T, p.Thr502Ile (NM_001282903.3); c.1487C>T, p.Thr496Ile (NM_001330599.2); short protein forms T502I, T500I, T496I, T509I.
Identifiers: ClinVar variation 1410854 (VCV001410854.8), dbSNP rs774172927, ClinGen allele CA4851813.
Genomic context (GRCh38, chr8:115,604,443, plus strand): 5'-TCGGCTCCCTTGCTGGAGAAGTCCTTCTTTTTAGCCCCACTCGAGCTCTTGTCTGTCTTG[G>A]TCATTGTCTCTCCTTCTGAACTTTTGGCTAGATCATTCTGATTAATGACAGAGCCCCTGG-3'
Protein context (NP_054831.2, residues 499-519): LAKSSEGETM[Thr509Ile]KTDKSSSGAK

ClinVar aggregate classification (germline): Uncertain significance (1 of 4 stars; one submission).

Conditions:
Trichorhinophalangeal dysplasia type I (TRPS1). Also called: TRPS I; TRICHORHINOPHALANGEAL SYNDROME, TYPE I. Identifiers: Orphanet 77258, MedGen C0432233, MONDO:0008596, OMIM 190350.
Trichorhinophalangeal syndrome, type III (TRPS3). Also called: SUGIO-KAJII SYNDROME. Identifiers: Orphanet 77258, MedGen C1860823, OMIM 190351, MONDO:0008597.

Allele frequency attached by ClinVar (database versions not stated): gnomAD exomes 0.00001 and 0.00003; TOPMed 0.00001; ExAC 0.00002; gnomAD 0.00003.
gnomAD v4.1: 42 of 1,613,862 alleles (0.0026%); highest among the groups gnomAD compares: Middle Eastern, 0.033%; no homozygotes.

Submission:

Labcorp Genetics (formerly Invitae), Labcorp
Classification: Uncertain significance for Trichorhinophalangeal syndrome, type III; Trichorhinophalangeal dysplasia type I. Last evaluated: 2023-04-22. Review status: criteria provided, single submitter. Criteria: Invitae Variant Classification Sherloc (09022015). Collection method: clinical testing. Allele origin: germline.
Comment: This variant has not been reported in the literature in individuals affected with TRPS1-related conditions. This sequence change replaces threonine, which is neutral and polar, with isoleucine, which is neutral and non-polar, at codon 509 of the TRPS1 protein (p.Thr509Ile). This variant is present in population databases (rs774172927, gnomAD 0.005%). ClinVar contains an entry for this variant (Variation ID: 1410854). Advanced modeling of protein sequence and biophysical properties (such as structural, functional, and spatial information, amino acid conservation, physicochemical variation, residue mobility, and thermodynamic stability) performed at Invitae indicates that this missense variant is not expected to disrupt TRPS1 protein function. In summary, the available evidence is currently insufficient to determine the role of this variant in disease. Therefore, it has been classified as a Variant of Uncertain Significance.